The following is an entry in ClinVar:

ClinVar aggregate classification (germline): Likely pathogenic (1 of 4 stars; one submission).

Submission:

GeneDx
Classification: Likely pathogenic. Last evaluated: 2020-01-22. Review status: criteria provided, single submitter. Criteria: GeneDx Variant Classification Process June 2021. Collection method: clinical testing. Allele origin: germline. Affected: yes.
Comment: Frameshift variant predicted to result in protein truncation, as the last 31 amino acids are replaced with 11 different amino acids, and other loss-of-function variants have been reported downstream in the Human Gene Mutation Database (Stenson et al., 2014); Not observed in large population cohorts (Lek et al., 2016); Has not been previously published as pathogenic or benign to our knowledge

NM_000533.5(PLP1):c.739del (p.Ala247fs)

Genes: RAB9B (RAB9B, member RAS oncogene family; minus strand), PLP1 (proteolipid protein 1; plus strand). Cytogenetic location: Xq22.2.
Variant type: Deletion.
Coding change: c.739del on transcript NM_000533.5 (MANE Select); coding-DNA position 739, one base deleted (G; older notation c.739delG).
Protein change: p.Ala247fs; shifts the reading frame from alanine 247.
Molecular consequence: frameshift variant.
Genome position (GRCh38, 1-based): chrX:103,789,375, G deleted; the last of 5 consecutive G bases (chrX:103,789,371-103,789,375); deleting any one gives the same sequence. VCF-style (leftmost placement, unchanged base first): chrX-103789370-TG-T. GRCh37 (hg19) VCF-style: chrX-103044299-TG-T.
Other names: c.739delG (NM_000533.3); c.739del, p.Ala247fs (NM_001128834.3); c.574del, p.Ala192fs (NM_001305004.1); c.634del, p.Ala212fs (NM_199478.3); short protein forms A192fs, A212fs, A247fs.
Identifiers: ClinVar variation 817275 (VCV000817275.2), dbSNP rs1602385699, ClinGen allele CA915952363.
Genomic context (GRCh38, chrX:103,789,370, plus strand): 5'-CTTCCTCTTTCATTTTCCTGCAGTTCCAAATGACCTTCCACCTGTTTATTGCTGCATTTG[TG>T]GGGGCTGCAGCTACACTGGTTTCCCTGGTGAGTTGACTTTGAATGATCTTGGCAAGTAAA-3'